The following is an entry in ClinVar:

NM_000222.3(KIT):c.2339T>C (p.Met780Thr)

Gene: KIT (KIT proto-oncogene, receptor tyrosine kinase; plus strand). Cytogenetic location: 4q12.
Variant type: single nucleotide variant.
Coding change: c.2339T>C on transcript NM_000222.3 (MANE Select); coding-DNA position 2339, T replaced by C.
Protein change: p.Met780Thr; replaces methionine 780 with threonine.
Molecular consequence: missense variant.
Genome position (GRCh38, 1-based): chr4:54,731,976, T>C. VCF-style: chr4-54731976-T-C. GRCh37 (hg19) VCF-style: chr4-55598142-T-C.
Other names: c.2327T>C, p.Met776Thr (NM_001093772.2, NM_001385292.1); c.2342T>C, p.Met781Thr (NM_001385284.1); c.2336T>C, p.Met779Thr (NM_001385285.1); c.2324T>C, p.Met775Thr (NM_001385286.1); c.2330T>C, p.Met777Thr (NM_001385288.1); c.2339T>C, p.Met780Thr (NM_001385290.1); c.2339T>C (NM_000222.2); short protein forms M781T, M775T, M780T, M776T, M777T, M779T.
Identifiers: ClinVar variation 1483055 (VCV001483055.7), dbSNP rs1379168487, ClinGen allele CA356911106.
Genomic context (GRCh38, chr4:54,731,976, plus strand): 5'-ACGAGTTGGCCCTAGACTTAGAAGACTTGCTGAGCTTTTCTTACCAGGTGGCAAAGGGCA[T>C]GGCTTTCCTCGCCTCCAAGAATGTAAGTGGGAGTGATTCTCTAAAGAGTTTTGTGTTTTG-3'
Protein context (NP_000213.1, residues 770-790): LSFSYQVAKG[Met780Thr]AFLASKNCIH

ClinVar aggregate classification (germline): Uncertain significance. Review status: criteria provided, multiple submitters, no conflicts (2 of 4 stars). 2 submissions from 2 submitters: Uncertain significance (2). Last evaluated 2026-07-07.

Conditions:
Gastrointestinal stromal tumor. Also called: Gastrointestinal stromal tumor, somatic; Gastrointestinal stroma tumor. Identifiers: Orphanet 44890, MedGen C0238198, MeSH D046152, MONDO:0011719, OMIM 606764, HP:0100723.
Hereditary cancer-predisposing syndrome. Also called: Hereditary Cancer Syndrome; Tumor predisposition; Neoplastic Syndromes, Hereditary; Hereditary neoplastic syndrome. Identifiers: Orphanet 140162, MedGen C0027672, MeSH D009386, MONDO:0015356.

Allele frequency attached by ClinVar (database versions not stated): TOPMed below 0.00001.

Submissions (2):

Ambry Genetics
Classification: Uncertain significance for Hereditary cancer-predisposing syndrome. Last evaluated: 2026-07-07. Review status: criteria provided, single submitter. Criteria: Ambry Variant Classification Scheme 2023. Collection method: clinical testing. Allele origin: germline.
Comment: The p.M780T variant (also known as c.2339T>C), located in coding exon 16 of the KIT gene, results from a T to C substitution at nucleotide position 2339. The methionine at codon 780 is replaced by threonine, an amino acid with similar properties. This amino acid position is conserved. In addition, this alteration is predicted to be deleterious by in silico analysis. Based on the available evidence, the clinical significance of this variant remains unclear.

Labcorp Genetics (formerly Invitae), Labcorp
Classification: Uncertain significance for Gastrointestinal stromal tumor. Last evaluated: 2021-08-13. Review status: criteria provided, single submitter. Criteria: Invitae Variant Classification Sherloc (09022015). Collection method: clinical testing. Allele origin: germline.
Comment: This sequence change replaces methionine with threonine at codon 780 of the KIT protein (p.Met780Thr). The methionine residue is highly conserved and there is a moderate physicochemical difference between methionine and threonine. This variant is not present in population databases (ExAC no frequency). This variant has not been reported in the literature in individuals affected with KIT-related conditions. Algorithms developed to predict the effect of missense changes on protein structure and function (SIFT, PolyPhen-2, Align-GVGD) all suggest that this variant is likely to be disruptive. In summary, the available evidence is currently insufficient to determine the role of this variant in disease. Therefore, it has been classified as a Variant of Uncertain Significance.